The following is an entry in ClinVar:

ClinVar aggregate classification (germline): Likely pathogenic (1 of 4 stars; one submission).

Conditions:
Fanconi anemia (FA). Also called: Fanconi's anemia. Identifiers: Orphanet 84, MedGen C0015625, MeSH D005199, MONDO:0019391.

Submission:

Natera, Inc.
Classification: Likely pathogenic for Fanconi anemia. Last evaluated: 2025-03-20. Review status: criteria provided, single submitter. Criteria: Natera Variant Classification Schema (03/2026). Collection method: clinical testing. Allele origin: germline.
Comment: The c.979dup variant in FANCC is a frameshift variant predicted to shift the reading frame beginning at codon 327 and leads to a stop codon 47 codons downstream. This variant is expected to result in nonsense mediated decay, truncation, or a dysfunctional protein product. This variant is rare in the general population with a frequency below the threshold expected for the associated phenotype(s). Given the available evidence, this variant is classified as Likely Pathogenic.

NM_000136.3(FANCC):c.979dup (p.Glu327fs)

Genes: AOPEP (aminopeptidase O (putative); plus strand), FANCC (FA complementation group C; minus strand). Cytogenetic location: 9q22.32.
Variant type: Duplication.
Coding change: c.979dup on transcript NM_000136.3 (MANE Select); coding-DNA position 979, one base duplicated (G; older notation c.979dupG).
Protein change: p.Glu327fs; shifts the reading frame from glutamic acid 327.
Molecular consequence: frameshift variant.
Genome position (GRCh38, 1-based): chr9:95,125,103, C duplicated on the plus strand (G on the coding strand, the reverse complement: FANCC is on the minus strand); the first of 2 consecutive C bases (chr9:95,125,103-95,125,104); duplicating either gives the same sequence. VCF-style (leftmost placement, unchanged base first): chr9-95125102-T-TC. GRCh37 (hg19) VCF-style: chr9-97887384-T-TC.
Other names: c.979dup, p.Glu327fs (NM_001243743.2, NM_001243744.2); c.979dup (NM_000136.2); short protein forms E327fs.
Identifiers: ClinVar variation 4068031 (VCV004068031.2).